The following is an entry in ClinVar:

ClinVar aggregate classification (germline): Benign. Review status: criteria provided, single submitter (1 of 4 stars). 2 submissions from 1 submitter: Benign (2). Last evaluated 2018-01-12.

Conditions:
Alpha-N-acetylgalactosaminidase deficiency type 2. Also called: ALPHA-N-ACETYLGALACTOSAMINIDASE DEFICIENCY, TYPE II; NAGA DEFICIENCY, TYPE II; SCHINDLER DISEASE, TYPE II. Identifiers: Orphanet 3137, Orphanet 79280, MedGen C1836522, MONDO:0012222, OMIM 609242.
Alpha-N-acetylgalactosaminidase deficiency type 1. Also called: SCHINDLER DISEASE, TYPE I; ALPHA-N-ACETYLGALACTOSAMINIDASE DEFICIENCY, TYPE I; NAGA DEFICIENCY, TYPE I; NEUROAXONAL DYSTROPHY, SCHINDLER TYPE. Identifiers: Orphanet 3137, Orphanet 79279, Orphanet 79281, MedGen C1836544, MONDO:0012221, OMIM 609241.

Allele frequency attached by ClinVar (database versions not stated): 1000 Genomes Project 0.02177; gnomAD 0.02824 and 0.02604; 1000 Genomes Project 30x 0.02405; TOPMed 0.02613.

Submissions (2):

Illumina Laboratory Services, Illumina
Classification: Benign for Alpha-N-acetylgalactosaminidase deficiency type 2. Last evaluated: 2018-01-12. Review status: criteria provided, single submitter. Criteria: ICSL Variant Classification Criteria 13 December 2019. Collection method: clinical testing. Allele origin: germline.
Comment: This variant was observed in the ICSL laboratory as part of a predisposition screen in an ostensibly healthy population. It had not been previously curated by ICSL or reported in the Human Gene Mutation Database (HGMD: prior to June 1st, 2018), and was therefore a candidate for classification through an automated scoring system. Utilizing variant allele frequency, disease prevalence and penetrance estimates, and inheritance mode, an automated score was calculated to assess if this variant is too frequent to cause the disease. Based on the score and internal cut-off values, a variant classified as benign is not then subjected to further curation. The score for this variant resulted in a classification of benign for this disease.

Illumina Laboratory Services, Illumina
Classification: Benign for Alpha-N-acetylgalactosaminidase deficiency type 1. Last evaluated: 2018-01-12. Review status: criteria provided, single submitter. Criteria: ICSL Variant Classification Criteria 13 December 2019. Collection method: clinical testing. Allele origin: germline.
Comment: the same text as in the submission from Illumina Laboratory Services, Illumina above.

NM_000262.3(NAGA):c.*1814C>T

Gene: NAGA (alpha-N-acetylgalactosaminidase; minus strand). Cytogenetic location: 22q13.2.
Variant type: single nucleotide variant.
Coding change: c.*1814C>T on transcript NM_000262.3 (MANE Select); 1814 bases downstream of the stop codon, C replaced by T.
Molecular consequence: 3 prime UTR variant.
Genome position (GRCh38, 1-based): chr22:42,058,465, G>A on the plus strand (C>T on the coding strand, the complement: NAGA is on the minus strand). VCF-style: chr22-42058465-G-A. GRCh37 (hg19) VCF-style: chr22-42454469-G-A.
Other names: c.*1814C>T (NM_001362848.1, NM_001362850.1).
Identifiers: ClinVar variation 341886 (VCV000341886.5), dbSNP rs80313011, ClinGen allele CA10653603.